The following is an entry in ClinVar:

NM_000540.3(RYR1):c.10565_10566insAA (p.Asn3523fs)

Gene: RYR1 (ryanodine receptor 1; plus strand). Cytogenetic location: 19q13.2.
Variant type: Insertion.
Coding change: c.10565_10566insAA on transcript NM_000540.3 (MANE Select); coding-DNA positions 10565 to 10566, AA inserted.
Protein change: p.Asn3523fs; shifts the reading frame from asparagine 3523.
Molecular consequence: frameshift variant.
Genome position: GRCh38 VCF-style: chr19-38525441-T-TAA. GRCh37 (hg19) VCF-style: chr19-39016081-T-TAA.
Other names: c.10550_10551insAA, p.Asn3518fs (NM_001042723.2); short protein forms N3518fs, N3523fs.
Identifiers: ClinVar variation 2757874 (VCV002757874.3), dbSNP rs2514477591, ClinGen allele CA2697556565.

ClinVar aggregate classification (germline): Pathogenic (1 of 4 stars; one submission).

Conditions:
RYR1-related disorder. Also called: RYR1-related condition; RYR1-related disorders. Identifiers: MedGen CN239331.

Submission:

Labcorp Genetics (formerly Invitae), Labcorp
Classification: Pathogenic for RYR1-related disorder. Last evaluated: 2023-09-04. Review status: criteria provided, single submitter. Criteria: Invitae Variant Classification Sherloc (09022015). Collection method: clinical testing. Allele origin: germline.
Comment: For these reasons, this variant has been classified as Pathogenic. This variant has not been reported in the literature in individuals affected with RYR1-related conditions. This variant is not present in population databases (gnomAD no frequency). This sequence change creates a premature translational stop signal (p.Asn3523Argfs*21) in the RYR1 gene. It is expected to result in an absent or disrupted protein product. Loss-of-function variants in RYR1 are known to be pathogenic (PMID: 23919265, 25960145, 28818389, 30611313).

Literature cited by the submitters: PubMed 23919265; PubMed 25960145; PubMed 28818389; PubMed 30611313.